The following is an entry in ClinVar:

NM_007294.4(BRCA1):c.5461T>C (p.Phe1821Leu)

Gene: BRCA1 (BRCA1 DNA repair associated; minus strand). Cytogenetic location: 17q21.31.
Variant type: single nucleotide variant.
Coding change: c.5461T>C on transcript NM_007294.4 (MANE Select); coding-DNA position 5461, T replaced by C.
Protein change: p.Phe1821Leu; replaces phenylalanine 1821 with leucine.
Molecular consequence: missense variant. On other transcripts: non-coding transcript variant (1).
Genome position (GRCh38, 1-based): chr17:43,047,649, A>G on the plus strand (T>C on the coding strand, the complement: BRCA1 is on the minus strand). VCF-style: chr17-43047649-A-G. GRCh37 (hg19) VCF-style: chr17-41199666-A-G.
Other names: c.2149T>C, p.Phe717Leu (NM_001407990.1, NM_001407979.1, NM_001407980.1 and 11 more transcripts); c.2146T>C, p.Phe716Leu (NM_001408401.1, NM_001408402.1, NM_001408403.1 and 7 more transcripts); c.2143T>C, p.Phe715Leu (NM_001408406.1, NM_001408407.1, NM_001408408.1); c.2140T>C, p.Phe714Leu (NM_001408409.1); c.2077T>C, p.Phe693Leu (NM_001408410.1); c.2074T>C, p.Phe692Leu (NM_001408411.1); c.2032T>C, p.Phe678Leu (NM_001408422.1, NM_001408423.1, NM_001408424.1 and 1 more transcripts); c.2029T>C, p.Phe677Leu (NM_001408425.1, NM_001408426.1, NM_001408427.1 and 4 more transcripts); and 83 more; short protein forms F1774L, F1821L, F1842L, F717L, L692P, F1731L, F1737L, F1754L.
Identifiers: ClinVar variation 868104 (VCV000868104.8), dbSNP rs2050978032, ClinGen allele CA10590444.

ClinVar aggregate classification (germline): Uncertain significance. Review status: criteria provided, single submitter (1 of 4 stars). 2 submissions from 2 submitters: Uncertain significance (1). 1 of the submissions does not count toward it. Last evaluated 2024-01-27.

Conditions:
Hereditary breast ovarian cancer syndrome. Also called: Hereditary breast and ovarian cancer; Hereditary breast and ovarian cancer syndrome (HBOC); Breast and ovarian cancer; Hereditary breast and/or ovarian cancer syndrome; BRCA1- and BRCA2-Associated Hereditary Breast and Ovarian Cancer; Hereditary breast and ovarian cancer syndrome. Identifiers: Orphanet 145, MedGen C0677776, MeSH D061325, MONDO:0003582. Disease mechanism: loss of function.
Colorectal cancer. Also called: Colorectal cancer, somatic; Malignant Colorectal Neoplasm. Identifiers: MedGen C0346629, MONDO:0005575, OMIM 114500.

Submissions (3):

Labcorp Genetics (formerly Invitae), Labcorp
Classification: Uncertain significance for Hereditary breast ovarian cancer syndrome. Last evaluated: 2024-01-27. Review status: criteria provided, single submitter. Criteria: Invitae Variant Classification Sherloc (09022015). Collection method: clinical testing. Allele origin: germline.
Comment: This sequence change replaces phenylalanine, which is neutral and non-polar, with leucine, which is neutral and non-polar, at codon 1821 of the BRCA1 protein (p.Phe1821Leu). This variant is not present in population databases (gnomAD no frequency). This variant has not been reported in the literature in individuals affected with BRCA1-related conditions. ClinVar contains an entry for this variant (Variation ID: 868104). Advanced modeling performed at Invitae incorporating data from internal and/or published experimental studies (PMID: 30209399) indicates that this missense variant is not expected to disrupt BRCA1 function with a negative predictive value of 95%. Experimental studies have shown that this missense change does not substantially affect BRCA1 function (PMID: 30257991). In summary, the available evidence is currently insufficient to determine the role of this variant in disease. Therefore, it has been classified as a Variant of Uncertain Significance.

Brotman Baty Institute, University of Washington
No classification provided (evidence only). Condition: Breast-ovarian cancer, familial 1. Review status: no classification provided. Collection method: in vitro. Allele origin: not applicable. Functional consequence: functionally_normal. Not counted in ClinVar's aggregate classification.
ClinVar note: "not provided" was previously submitted as the classification for the variant. However, the classification appeared to be based only on an observation of functional data so it was converted to no classification on 2025-07-30.

Genomic Center, National Cancer Institute
Classification: Uncertain significance for Colorectal cancer. Review status: no assertion criteria provided. Collection method: case-control. Allele origin: germline. Affected: yes. Not counted in ClinVar's aggregate classification.

Literature cited by the submitters: PubMed 30209399 (cited by Labcorp Genetics (formerly Invitae), Labcorp); PubMed 30257991 (cited by Labcorp Genetics (formerly Invitae), Labcorp).